The following is an entry in ClinVar:

ClinVar aggregate classification (germline): Pathogenic (1 of 4 stars; one submission).

Conditions:
Hereditary cancer-predisposing syndrome. Also called: Neoplastic Syndromes, Hereditary; Tumor predisposition; Hereditary Cancer Syndrome; Hereditary neoplastic syndrome. Identifiers: Orphanet 140162, MedGen C0027672, MeSH D009386, MONDO:0015356.

Submission:

Ambry Genetics
Classification: Pathogenic for Hereditary cancer-predisposing syndrome. Last evaluated: 2015-10-26. Review status: criteria provided, single submitter. Criteria: Ambry Variant Classification Scheme 2023. Collection method: clinical testing. Allele origin: germline.
Comment: The c.1649delC pathogenic mutation, located in coding exon 4 of the MSH6 gene, results from a deletion of one nucleotide at nucleotide position 1649, causing a translational frameshift with a predicted alternate stop codon. Since frameshifts are typically deleterious in nature, this alteration is interpreted as a disease-causing mutation (ACMG Recommendations for Standards for Interpretation and Reporting of Sequence Variations. Revision 2007. Genet Med. 2008;10:294).

NM_000179.3(MSH6):c.1649del (p.Ser550fs)

Gene: MSH6 (mutS homolog 6; plus strand). Cytogenetic location: 2p16.3.
Variant type: Deletion.
Coding change: c.1649del on transcript NM_000179.3 (MANE Select); coding-DNA position 1649, one base deleted (C; older notation c.1649delC).
Protein change: p.Ser550fs; shifts the reading frame from serine 550.
Molecular consequence: frameshift variant.
Genome position (GRCh38, 1-based): chr2:47,799,632, C deleted. VCF-style (leftmost placement, unchanged base first): chr2-47799631-TC-T. GRCh37 (hg19) VCF-style: chr2-48026770-TC-T.
Other names: c.1259del, p.Ser420fs (NM_001281492.2); c.743del, p.Ser248fs (NM_001281493.2, NM_001281494.2); c.1745delC, p.Ser582Leufs (NM_001406795.1, NM_001406802.1); c.1649delC, p.Ser550Leufs (NM_001406796.1, NM_001406798.1, NM_001406800.1 and 3 more transcripts); c.1352delC, p.Ser451Leufs (NM_001406797.1, NM_001406801.1, NM_001406805.1 and 10 more transcripts); c.1124delC, p.Ser375Leufs (NM_001406799.1, NM_001406806.1, NM_001406807.1); c.1571delC, p.Ser524Leufs (NM_001406804.1); c.743delC, p.Ser248Leufs (NM_001406811.1, NM_001406812.1, NM_001406814.1 and 4 more transcripts); and 2 more; short protein forms S420fs, S248fs, S550fs.
Identifiers: ClinVar variation 1777209 (VCV001777209.2), dbSNP rs2530622319, ClinGen allele CA2580067666.
Genomic context (GRCh38, chr2:47,799,631, plus strand): 5'-GATCCCTCTGAGAACTACAGTAAGTATCTTCTTAGCCTCAAAGAAAAAGAGGAAGATTCT[TC>T]TGGCCATACTCGTGCATATGGTGTGTGCTTTGTTGATACTTCACTGGGAAAGTTTTTCAT-3'